The following is an entry in ClinVar:

ClinVar aggregate classification (germline): Uncertain significance. Review status: criteria provided, multiple submitters, no conflicts (2 of 4 stars). 2 submissions from 2 submitters: Uncertain significance (2). Last evaluated 2025-05-06.

Conditions:
Inborn genetic diseases. Identifiers: MedGen C0950123, MeSH D030342.

Allele frequency attached by ClinVar (database versions not stated): gnomAD exomes below 0.00001; ExAC 0.00001; gnomAD 0.00005; TOPMed 0.00005.
gnomAD v4.1: 13 of 1,608,016 alleles (0.00081%); highest among the groups gnomAD compares: African/African-American, 0.013%; no homozygotes.

Submissions (2):

Labcorp Genetics (formerly Invitae), Labcorp
Classification: Uncertain significance. Last evaluated: 2025-05-06. Review status: criteria provided, single submitter. Criteria: Invitae Variant Classification Sherloc (09022015). Collection method: clinical testing. Allele origin: germline.
Comment: This sequence change replaces histidine, which is basic and polar, with arginine, which is basic and polar, at codon 1001 of the SLC12A1 protein (p.His1001Arg). This variant is present in population databases (rs749293268, gnomAD 0.02%). This variant has not been reported in the literature in individuals affected with SLC12A1-related conditions. ClinVar contains an entry for this variant (Variation ID: 1918420). Invitae Evidence Modeling of protein sequence and biophysical properties (such as structural, functional, and spatial information, amino acid conservation, physicochemical variation, residue mobility, and thermodynamic stability) has been performed for this missense variant. However, the output from this modeling did not meet the statistical confidence thresholds required to predict the impact of this variant on SLC12A1 protein function. In summary, the available evidence is currently insufficient to determine the role of this variant in disease. Therefore, it has been classified as a Variant of Uncertain Significance.

Ambry Genetics
Classification: Uncertain significance for Inborn genetic diseases. Last evaluated: 2024-02-05. Review status: criteria provided, single submitter. Criteria: Ambry Variant Classification Scheme 2023. Collection method: clinical testing. Allele origin: germline.

NM_000338.3(SLC12A1):c.3002A>G (p.His1001Arg)

Gene: SLC12A1 (solute carrier family 12 member 1; plus strand). Cytogenetic location: 15q21.1.
Variant type: single nucleotide variant.
Coding change: c.3002A>G on transcript NM_000338.3 (MANE Select); coding-DNA position 3002, A replaced by G.
Protein change: p.His1001Arg; replaces histidine 1001 with arginine.
Molecular consequence: missense variant.
Genome position (GRCh38, 1-based): chr15:48,299,181, A>G. VCF-style: chr15-48299181-A-G. GRCh37 (hg19) VCF-style: chr15-48591378-A-G.
Other names: c.3002A>G, p.His1001Arg (NM_001184832.2, NM_001384136.1); c.3002A>G (NM_000338.2); short protein forms H1001R.
Identifiers: ClinVar variation 1918420 (VCV001918420.6), dbSNP rs749293268, ClinGen allele CA7547569.